The following is an entry in ClinVar:

ClinVar aggregate classification (germline): Pathogenic (1 of 4 stars; one submission).

Conditions:
Aganglionic megacolon (HSCR). Also called: Hirschsprung's disease; Hirschsprung disease. Identifiers: Orphanet 388, MedGen C0019569, MeSH D006627, MONDO:0018309, HP:0002251.

Submission:

Laboratory for Molecular Medicine, Mass General Brigham Personalized Medicine
Classification: Pathogenic for Aganglionic megacolon. Last evaluated: 2015-07-30. Review status: criteria provided, single submitter. Criteria: ACMG Guidelines, 2015. Collection method: clinical testing. Allele origin: germline. Inheritance: Autosomal dominant inheritance.
Comment: The p.Cys620X variant in RET has not been reported in individuals with Hirschsprung disease or in large population studies. This nonsense variant leads to a premature termination codon at position 620, which is predicted to lead to a truncated or absent protein. Heterozygous loss of function of the RET gene is an established disease mechanism in Hirschsprung disease (Carter 2012, So 2012). In summary, this variant meets our criteria to be classified as pathogenic for Hirschsprung disease in an autosomal dominant manner based upon predicted impact to the protein and absence in controls.

Literature cited by the submitters: PubMed 22648184; PubMed 22174939.

NM_020975.6(RET):c.1860C>A (p.Cys620Ter)

Gene: RET (ret proto-oncogene; plus strand). Cytogenetic location: 10q11.21.
Variant type: single nucleotide variant.
Coding change: c.1860C>A on transcript NM_020975.6 (MANE Select); coding-DNA position 1860, C replaced by A.
Protein change: p.Cys620Ter; replaces cysteine 620 with a stop codon.
Molecular consequence: nonsense. On other transcripts: intron variant (2).
Genome position (GRCh38, 1-based): chr10:43,113,656, C>A. VCF-style: chr10-43113656-C-A. GRCh37 (hg19) VCF-style: chr10-43609104-C-A.
Other names: c.1422C>A, p.Cys474Ter (NM_001406771.1, NM_001406773.1); c.1464C>A, p.Cys488Ter (NM_001406772.1, NM_001406769.1); c.1335C>A, p.Cys445Ter (NM_001406774.1); c.1134C>A, p.Cys378Ter (NM_001406775.1, NM_001406776.1, NM_001406777.1 and 1 more transcripts); c.963C>A, p.Cys321Ter (NM_001406779.1, NM_001406780.1, NM_001406781.1 and 2 more transcripts); c.1860C>A, p.Cys620Ter (NM_000323.2, NM_001406743.1, NM_001406744.1 and 6 more transcripts); c.1098C>A, p.Cys366Ter (NM_001355216.2); c.1731C>A, p.Cys577Ter (NM_001406761.1, NM_001406762.1, NM_001406764.1 and 1 more transcripts); and 7 more; short protein forms C137*, C225*, C278*, C290*, C321*, C366*, C378*, C445*.
Identifiers: ClinVar variation 3076011 (VCV003076011.1), dbSNP rs79890926, ClinGen allele CA376552823.